The following is an entry in ClinVar:

ClinVar aggregate classification (germline): Uncertain significance. Review status: criteria provided, multiple submitters, no conflicts (2 of 4 stars). 3 submissions from 3 submitters: Uncertain significance (3). Last evaluated 2024-09-17.

Conditions:
Brugada syndrome 8 (BRGDA8). Identifiers: Orphanet 130, MedGen C2751083, MONDO:0013148, OMIM 613123.
Cardiovascular phenotype. Identifiers: MedGen CN230736.

Allele frequency attached by ClinVar (database versions not stated): gnomAD exomes below 0.00001.
gnomAD v4.1: 2 of 1,593,742 alleles (0.00013%); highest among the groups gnomAD compares: East Asian, 0.0045%; no homozygotes.

Submissions (3):

Labcorp Genetics (formerly Invitae), Labcorp
Classification: Uncertain significance for Brugada syndrome 8. Last evaluated: 2024-09-17. Review status: criteria provided, single submitter. Criteria: Invitae Variant Classification Sherloc (09022015). Collection method: clinical testing. Allele origin: germline.
Comment: This sequence change replaces serine, which is neutral and polar, with phenylalanine, which is neutral and non-polar, at codon 1201 of the HCN4 protein (p.Ser1201Phe). This variant is not present in population databases (gnomAD no frequency). This variant has not been reported in the literature in individuals affected with HCN4-related conditions. ClinVar contains an entry for this variant (Variation ID: 2565017). Invitae Evidence Modeling of protein sequence and biophysical properties (such as structural, functional, and spatial information, amino acid conservation, physicochemical variation, residue mobility, and thermodynamic stability) indicates that this missense variant is not expected to disrupt HCN4 protein function with a negative predictive value of 95%. In summary, the available evidence is currently insufficient to determine the role of this variant in disease. Therefore, it has been classified as a Variant of Uncertain Significance.

Women's Health and Genetics/Laboratory Corporation of America, LabCorp
Classification: Uncertain significance. Last evaluated: 2024-07-28. Review status: criteria provided, single submitter. Criteria: LabCorp Variant Classification Summary - May 2015. Collection method: clinical testing. Allele origin: germline.

Ambry Genetics
Classification: Uncertain significance for Cardiovascular phenotype. Last evaluated: 2023-05-30. Review status: criteria provided, single submitter. Criteria: Ambry Variant Classification Scheme 2023. Collection method: clinical testing. Allele origin: germline.
Comment: The p.S1201F variant (also known as c.3602C>T), located in coding exon 8 of the HCN4 gene, results from a C to T substitution at nucleotide position 3602. The serine at codon 1201 is replaced by phenylalanine, an amino acid with highly dissimilar properties. This amino acid position is conserved. In addition, the in silico prediction for this alteration is inconclusive. Since supporting evidence is limited at this time, the clinical significance of this alteration remains unclear.

NM_005477.3(HCN4):c.3602C>T (p.Ser1201Phe)

Gene: HCN4 (hyperpolarization activated cyclic nucleotide gated potassium channel 4; minus strand). Cytogenetic location: 15q24.1.
Variant type: single nucleotide variant.
Coding change: c.3602C>T on transcript NM_005477.3 (MANE Select); coding-DNA position 3602, C replaced by T.
Protein change: p.Ser1201Phe; replaces serine 1201 with phenylalanine.
Molecular consequence: missense variant.
Genome position (GRCh38, 1-based): chr15:73,322,491, G>A on the plus strand (C>T on the coding strand, the complement: HCN4 is on the minus strand). VCF-style: chr15-73322491-G-A. GRCh37 (hg19) VCF-style: chr15-73614832-G-A.
Other names: short protein forms S1201F.
Identifiers: ClinVar variation 2565017 (VCV002565017.5), dbSNP rs1364108972, ClinGen allele CA393084614.